The following is an entry in ClinVar:

NM_006231.4(POLE):c.3125A>G (p.Lys1042Arg)

Gene: POLE (DNA polymerase epsilon, catalytic subunit; minus strand). Cytogenetic location: 12q24.33.
Variant type: single nucleotide variant.
Coding change: c.3125A>G on transcript NM_006231.4 (MANE Select); coding-DNA position 3125, A replaced by G.
Protein change: p.Lys1042Arg; replaces lysine 1042 with arginine.
Molecular consequence: missense variant.
Genome position (GRCh38, 1-based): chr12:132,659,445, T>C on the plus strand (A>G on the coding strand, the complement: POLE is on the minus strand). VCF-style: chr12-132659445-T-C. GRCh37 (hg19) VCF-style: chr12-133236031-T-C.
Other names: short protein forms K1042R.
Identifiers: ClinVar variation 643623 (VCV000643623.15), dbSNP rs1593772654, ClinGen allele CA387391653.
Genomic context (GRCh38, chr12:132,659,445, plus strand): 5'-TCGGCCAGGCGCTTTGCTGTGCTGATGGACGTAGACTTCTGCTCCCCGTAATCTTCCAGC[T>C]TCCGAGACATGGAACGGTTCTCAGAGATGAGCTCGAATAGCTCAGAGTCAGGCATGTTGG-3'
Protein context (NP_006222.2, residues 1032-1052): LISENRSMSR[Lys1042Arg]LEDYGEQKST

ClinVar aggregate classification (germline): Uncertain significance. Review status: criteria provided, multiple submitters, no conflicts (2 of 4 stars). 3 submissions from 3 submitters: Uncertain significance (3). Last evaluated 2025-10-25.

Conditions:
Hereditary cancer-predisposing syndrome. Also called: Neoplastic Syndromes, Hereditary; Tumor predisposition; Hereditary neoplastic syndrome; Hereditary Cancer Syndrome. Identifiers: Orphanet 140162, MedGen C0027672, MeSH D009386, MONDO:0015356.

Allele frequency attached by ClinVar (database versions not stated): gnomAD exomes below 0.00001.
gnomAD v4.1: 2 of 1,614,216 alleles (0.00012%); highest among the groups gnomAD compares: Non-Finnish European, 0.00017%; no homozygotes.

Submissions (3):

Ambry Genetics
Classification: Uncertain significance for Hereditary cancer-predisposing syndrome. Last evaluated: 2025-10-25. Review status: criteria provided, single submitter. Criteria: Ambry Variant Classification Scheme 2023. Collection method: clinical testing. Allele origin: germline.
Comment: The p.K1042R variant (also known as c.3125A>G), located in coding exon 26 of the POLE gene, results from an A to G substitution at nucleotide position 3125. The lysine at codon 1042 is replaced by arginine, an amino acid with highly similar properties. This amino acid position is conserved. In addition, this alteration is predicted to be tolerated by in silico analysis. Since supporting evidence is limited at this time, the clinical significance of this alteration remains unclear.

GeneDx
Classification: Uncertain significance. Last evaluated: 2023-11-06. Review status: criteria provided, single submitter. Criteria: GeneDx Variant Classification Process June 2021. Collection method: clinical testing. Allele origin: germline. Affected: yes.
Comment: Not observed at significant frequency in large population cohorts (gnomAD); In silico analysis supports that this missense variant does not alter protein structure/function; Has not been previously published as pathogenic or benign to our knowledge

Labcorp Genetics (formerly Invitae), Labcorp
Classification: Uncertain significance. Last evaluated: 2022-01-26. Review status: criteria provided, single submitter. Criteria: Invitae Variant Classification Sherloc (09022015). Collection method: clinical testing. Allele origin: germline.
Comment: This sequence change replaces lysine, which is basic and polar, with arginine, which is basic and polar, at codon 1042 of the POLE protein (p.Lys1042Arg). This variant is not present in population databases (gnomAD no frequency). This variant has not been reported in the literature in individuals affected with POLE-related conditions. ClinVar contains an entry for this variant (Variation ID: 643623). Algorithms developed to predict the effect of missense changes on protein structure and function (SIFT, PolyPhen-2, Align-GVGD) all suggest that this variant is likely to be tolerated. In summary, the available evidence is currently insufficient to determine the role of this variant in disease. Therefore, it has been classified as a Variant of Uncertain Significance.